The following is an entry in ClinVar:

ClinVar aggregate classification (germline): Uncertain significance (1 of 4 stars; one submission).

Conditions:
Joubert syndrome. Also called: CEREBELLOPARENCHYMAL DISORDER IV; JOUBERT-BOLTSHAUSER SYNDROME; Familial aplasia of the vermis. Identifiers: Orphanet 475, MedGen C5979921, MONDO:0018772.
Orofaciodigital syndrome I (OFD1). Also called: OFDS I; Papillon-Leage and Psaume Syndrome; Oral-Facial-Digital Syndrome Type I. Identifiers: Orphanet 2750, MedGen C1510460, MONDO:0010702, OMIM 311200.

Allele frequency attached by ClinVar (database versions not stated): gnomAD exomes 0.00002; TOPMed below 0.00001.
gnomAD v4.1: 17 of 1,211,449 alleles (0.0014%); highest among the groups gnomAD compares: Non-Finnish European, 0.0018%; no homozygotes.

Submission:

Labcorp Genetics (formerly Invitae), Labcorp
Classification: Uncertain significance for Orofaciodigital syndrome I; Joubert syndrome. Last evaluated: 2025-09-15. Review status: criteria provided, single submitter. Criteria: Invitae Variant Classification Sherloc (09022015). Collection method: clinical testing. Allele origin: germline.
Comment: This sequence change replaces isoleucine, which is neutral and non-polar, with leucine, which is neutral and non-polar, at codon 965 of the OFD1 protein (p.Ile965Leu). This variant is present in population databases (no rsID available, gnomAD 0.001%). This variant has not been reported in the literature in individuals affected with OFD1-related conditions. ClinVar contains an entry for this variant (Variation ID: 2934870). Invitae Evidence Modeling of protein sequence and biophysical properties (such as structural, functional, and spatial information, amino acid conservation, physicochemical variation, residue mobility, and thermodynamic stability) indicates that this missense variant is not expected to disrupt OFD1 protein function with a negative predictive value of 80%. In summary, the available evidence is currently insufficient to determine the role of this variant in disease. Therefore, it has been classified as a Variant of Uncertain Significance.

NM_003611.3(OFD1):c.2893A>C (p.Ile965Leu)

Gene: OFD1 (OFD1 centriole and centriolar satellite protein; plus strand). Cytogenetic location: Xp22.2.
Variant type: single nucleotide variant.
Coding change: c.2893A>C on transcript NM_003611.3 (MANE Select); coding-DNA position 2893, A replaced by C.
Protein change: p.Ile965Leu; replaces isoleucine 965 with leucine.
Molecular consequence: missense variant.
Genome position (GRCh38, 1-based): chrX:13,768,189, A>C. VCF-style: chrX-13768189-A-C. GRCh37 (hg19) VCF-style: chrX-13786308-A-C.
Other names: c.2773A>C, p.Ile925Leu (NM_001330209.2); c.2473A>C, p.Ile825Leu (NM_001330210.2); short protein forms I965L, I825L, I925L.
Identifiers: ClinVar variation 2934870 (VCV002934870.3), dbSNP rs1391462480, ClinGen allele CA412313735.